The following is an entry in ClinVar:

ClinVar aggregate classification (germline): Uncertain significance. Review status: criteria provided, multiple submitters, no conflicts (2 of 4 stars). 2 submissions from 2 submitters: Uncertain significance (2). Last evaluated 2025-12-09.

Conditions:
Inborn genetic diseases. Identifiers: MedGen C0950123, MeSH D030342.

Allele frequency attached by ClinVar (database versions not stated): gnomAD 0.00001; gnomAD exomes 0.00001.
gnomAD v4.1: 13 of 1,614,118 alleles (0.00081%); highest among the groups gnomAD compares: Non-Finnish European, 0.0011%; no homozygotes.

Submissions (2):

Ambry Genetics
Classification: Uncertain significance for Inborn genetic diseases. Last evaluated: 2025-12-09. Review status: criteria provided, single submitter. Criteria: Ambry Variant Classification Scheme 2023. Collection method: clinical testing. Allele origin: germline.

Labcorp Genetics (formerly Invitae), Labcorp
Classification: Uncertain significance. Last evaluated: 2024-09-03. Review status: criteria provided, single submitter. Criteria: Invitae Variant Classification Sherloc (09022015). Collection method: clinical testing. Allele origin: germline.
Comment: This sequence change replaces alanine, which is neutral and non-polar, with valine, which is neutral and non-polar, at codon 1172 of the ASXL1 protein (p.Ala1172Val). This variant is not present in population databases (gnomAD no frequency). This variant has not been reported in the literature in individuals affected with ASXL1-related conditions. An algorithm developed to predict the effect of missense changes on protein structure and function outputs the following: PolyPhen-2: "Benign". The valine amino acid residue is found in multiple mammalian species, which suggests that this missense change does not adversely affect protein function. In summary, the available evidence is currently insufficient to determine the role of this variant in disease. Therefore, it has been classified as a Variant of Uncertain Significance.

NM_015338.6(ASXL1):c.3515C>T (p.Ala1172Val)

Gene: ASXL1 (ASXL transcriptional regulator 1; plus strand). Cytogenetic location: 20q11.21.
Variant type: single nucleotide variant.
Coding change: c.3515C>T on transcript NM_015338.6 (MANE Select); coding-DNA position 3515, C replaced by T.
Protein change: p.Ala1172Val; replaces alanine 1172 with valine.
Molecular consequence: missense variant.
Genome position (GRCh38, 1-based): chr20:32,436,227, C>T. VCF-style: chr20-32436227-C-T. GRCh37 (hg19) VCF-style: chr20-31024030-C-T.
Other names: c.3332C>T, p.Ala1111Val (NM_001363734.1); short protein forms A1111V, A1172V.
Identifiers: ClinVar variation 2989128 (VCV002989128.5), dbSNP rs2011858574, ClinGen allele CA408563226.